The following is an entry in ClinVar:

ClinVar aggregate classification (germline): Pathogenic. Review status: criteria provided, multiple submitters, no conflicts (2 of 4 stars). 12 submissions from 11 submitters: Pathogenic (11). 1 of the submissions does not count toward it. Last evaluated 2026-03-06.

Conditions:
USH2A-related disorder. Also called: USH2A-related condition; USH2A-related disorders. Identifiers: MedGen CN239332.
Usher syndrome type 2A. Also called: USHER SYNDROME, TYPE IIA; RETINAL DISEASE IN USHER SYNDROME TYPE IIA, MODIFIER OF. Identifiers: Orphanet 231178, Orphanet 886, MedGen C1848634, MONDO:0010169, OMIM 276901.
Retinitis pigmentosa 39 (RP39). Identifiers: Orphanet 791, MedGen C3151138, MONDO:0013436, OMIM 613809.

Submissions (12):

PreventionGenetics, part of Exact Sciences
Classification: Pathogenic for USH2A-related condition. Last evaluated: 2026-03-06. Review status: criteria provided, single submitter. Criteria: ACMG Guidelines, 2015. Collection method: clinical testing. Allele origin: germline.
Comment: The USH2A c.1214delA variant is predicted to result in a frameshift and premature protein termination (p.Asn405Ilefs*3). This variant has been reported in individuals with Usher syndrome and non-syndromic retinitis pigmentosa (Schwartz et al. 2005. PubMed ID: 15671307; Aparisi et al. 2014. PubMed ID: 25404053; Supplementary table S2, Feenstra et al. 2022. PubMed ID: 36011334). This variant is reported in 0.0018% of alleles in individuals of European (Non-Finnish) descent in gnomAD. Frameshift variants in USH2A are expected to be pathogenic. This variant is interpreted as pathogenic.

Labcorp Genetics (formerly Invitae), Labcorp
Classification: Pathogenic. Last evaluated: 2026-01-16. Review status: criteria provided, single submitter. Criteria: Invitae Variant Classification Sherloc (09022015). Collection method: clinical testing. Allele origin: germline.
Comment: This sequence change creates a premature translational stop signal (p.Asn405Ilefs*3) in the USH2A gene. It is expected to result in an absent or disrupted protein product. Loss-of-function variants in USH2A are known to be pathogenic (PMID: 10729113, 10909849, 20507924, 25649381). This variant is present in population databases (rs750228923, gnomAD 0.002%). This premature translational stop signal has been observed in individuals with Usher syndrome (PMID: 15671307, 25404053). ClinVar contains an entry for this variant (Variation ID: 189250). For these reasons, this variant has been classified as Pathogenic.

Natera, Inc.
Classification: Pathogenic for Usher syndrome type 2A. Last evaluated: 2025-07-28. Review status: criteria provided, single submitter. Criteria: Natera Variant Classification Schema (03/2026). Collection method: clinical testing. Allele origin: germline.
Comment: The c.1214delA variant in USH2A is a frameshift variant predicted to shift the reading frame beginning at codon 405 and leads to a stop codon 3 codons downstream. This variant is expected to result in nonsense mediated decay, truncation, or a dysfunctional protein product. This variant is rare in the general population with a frequency below the threshold expected for the associated phenotype(s). This variant has been observed in one or more individuals affected with the associated recessive disease, as either homozygous or compound heterozygous with a second variant (PMID: 22004887, 15671307). Given the available evidence, this variant is classified as Pathogenic.

Revvity Omics, Revvity
Classification: Pathogenic. Last evaluated: 2024-07-24. Review status: criteria provided, single submitter. Criteria: ACMG Guidelines, 2015. Collection method: clinical testing. Allele origin: germline.

GeneDx
Classification: Pathogenic. Last evaluated: 2024-03-22. Review status: criteria provided, single submitter. Criteria: GeneDx Variant Classification Process June 2021. Collection method: clinical testing. Allele origin: germline. Affected: yes.
Comment: Frameshift variant predicted to result in protein truncation or nonsense mediated decay in a gene for which loss of function is a known mechanism of disease; Not observed at significant frequency in large population cohorts (gnomAD); This variant is associated with the following publications: (PMID: 31589614, 15671307, 34327195, 25404053, 33089500, 29953849, 36011334, 31964843, 36003347)

Baylor Genetics
Classification: Pathogenic for Retinitis pigmentosa 39. Last evaluated: 2024-03-21. Review status: criteria provided, single submitter. Criteria: ACMG Guidelines, 2015. Collection method: clinical testing. Allele origin: unknown.

Fulgent Genetics
Classification: Pathogenic for Usher syndrome type 2A; Retinitis pigmentosa 39. Last evaluated: 2024-01-31. Review status: criteria provided, single submitter. Criteria: ACMG Guidelines, 2015. Collection method: clinical testing. Allele origin: germline.

Genome-Nilou Lab
Classification: Pathogenic for Retinitis pigmentosa 39. Last evaluated: 2023-11-04. Review status: criteria provided, single submitter. Criteria: ACMG Guidelines, 2015. Collection method: clinical testing. Allele origin: germline. Affected: no.

Genome-Nilou Lab
Classification: Pathogenic for Usher syndrome type 2A. Last evaluated: 2023-11-04. Review status: criteria provided, single submitter. Criteria: ACMG Guidelines, 2015. Collection method: clinical testing. Allele origin: germline. Affected: no.

Blueprint Genetics
Classification: Pathogenic for USH2A-related disorders. Last evaluated: 2021-10-26. Review status: criteria provided, single submitter. Criteria: ACMG Guidelines, 2015. Collection method: clinical testing. Allele origin: germline. Affected: yes. Observed: 5 variant alleles.

Laboratory for Molecular Medicine, Mass General Brigham Personalized Medicine
Classification: Pathogenic for Usher syndrome, type 2A. Last evaluated: 2014-01-20. Review status: criteria provided, single submitter. Criteria: LMM Criteria. Collection method: clinical testing. Allele origin: germline. Inheritance: Autosomal recessive inheritance. Observed: 3 variant alleles. Study: CSER-MedSeq.
Comment: The Asn405fs variant in USH2A has been reported in at least 5 individuals with Usher syndrome type II, including one homozygote and 3 compound heterozygotes (Bernal 2005; Schwartz 2005; Sandberg 2008, Garcia-Garcia 2011). This frameshift variant is predicted to alter the protein’s amino acid sequence beginning at position 405 and lead to a premature termination codon 3 amino acids downstream. This alteration is then predicted to lead to a truncated or absent protein. This variant meets our criteria to be classified as pathogenic.

Counsyl
Classification: Pathogenic for Usher syndrome type 2A; Retinitis pigmentosa 39. Last evaluated: 2017-05-02. Review status: no assertion criteria provided. Collection method: clinical testing. Allele origin: unknown. Not counted in ClinVar's aggregate classification.

Literature cited by the submitters: PubMed 10729113 (cited by Labcorp Genetics (formerly Invitae), Labcorp); PubMed 10909849 (cited by Labcorp Genetics (formerly Invitae), Labcorp); PubMed 20507924 (cited by Labcorp Genetics (formerly Invitae), Labcorp); PubMed 25649381 (cited by Labcorp Genetics (formerly Invitae), Labcorp); PubMed 15671307 (cited by 3 submitters); PubMed 25404053 (cited by Labcorp Genetics (formerly Invitae), Labcorp); PubMed 22004887 (cited by 3 submitters); PubMed 16098008 (cited by Laboratory for Molecular Medicine, Mass General Brigham Personalized Medicine); PubMed 18641288 (cited by Laboratory for Molecular Medicine, Mass General Brigham Personalized Medicine).

NM_206933.4(USH2A):c.1214del (p.Asn405fs)

Gene: USH2A (usherin; minus strand). Cytogenetic location: 1q41.
Variant type: Deletion.
Coding change: c.1214del on transcript NM_206933.4 (MANE Select); coding-DNA position 1214, one base deleted (A; older notation c.1214delA).
Protein change: p.Asn405fs; shifts the reading frame from asparagine 405.
Molecular consequence: frameshift variant.
Genome position (GRCh38, 1-based): chr1:216,324,282, T deleted on the plus strand (A on the coding strand, the reverse complement: USH2A is on the minus strand); the first of 4 consecutive T bases (chr1:216,324,282-216,324,285); deleting any one gives the same sequence. VCF-style (leftmost placement, unchanged base first): chr1-216324281-AT-A. GRCh37 (hg19) VCF-style: chr1-216497623-AT-A.
Other names: c.1214del, p.Asn405fs (NM_007123.6); c.1214del (NM_206933.2, NM_206933.3); short protein forms N405fs.
Identifiers: ClinVar variation 189250 (VCV000189250.26), dbSNP rs750228923, ClinGen allele CA274501.
Genomic context (GRCh38, chr1:216,324,281, plus strand): 5'-TTTCATTCCAAAAGCACCACAATTCCTGGCAAAATATTGCCAGTCCTCCCAATCTAAACT[AT>A]TTTCCTTCTTCCTTTGAATCCTTATTTCCGTTGGTTGTGGACTAAAGAACTGAATGATAA-3'